The following is an entry in ClinVar:

ClinVar aggregate classification (germline): Likely pathogenic (1 of 4 stars; one submission).

Submission:

Labcorp Genetics (formerly Invitae), Labcorp
Classification: Likely pathogenic. Last evaluated: 2023-06-23. Review status: criteria provided, single submitter. Criteria: Invitae Variant Classification Sherloc (09022015). Collection method: clinical testing. Allele origin: germline.
Comment: This variant results in the deletion of part of exon 3 (c.383_433+23del) of the BMP1 gene. It is expected to disrupt RNA splicing. Variants that disrupt the donor or acceptor splice site typically lead to a loss of protein function (PMID: 16199547), and loss-of-function variants in BMP1 are known to be pathogenic (PMID: 25656619, 27576954, 28257626). This variant is not present in population databases (gnomAD no frequency). This variant has not been reported in the literature in individuals affected with BMP1-related conditions. Algorithms developed to predict the effect of sequence changes on RNA splicing suggest that this variant may disrupt the consensus splice site. In summary, the currently available evidence indicates that the variant is pathogenic, but additional data are needed to prove that conclusively. Therefore, this variant has been classified as Likely Pathogenic.

Literature cited by the submitters: PubMed 16199547; PubMed 25656619; PubMed 27576954; PubMed 28257626.

NM_006129.5(BMP1):c.383_433+23del

Gene: BMP1 (bone morphogenetic protein 1; plus strand). Cytogenetic location: 8p21.3.
Variant type: Deletion.
Coding change: c.383_433+23del on transcript NM_006129.5 (MANE Select); coding-DNA position 383 through 23 bases into the intron after coding-DNA position 433, 74 bases deleted.
Molecular consequence: splice donor variant.
Genome position (GRCh38, 1-based): chr8:22,176,263-22,176,336, 74 bases deleted. GRCh37 (hg19): chr8:22,033,776-22,033,849.
Other names: c.383_433+23del (NM_001199.4).
Identifiers: ClinVar variation 2724213 (VCV002724213.3), dbSNP rs2538976137, ClinGen allele CA2697549779.